The following is an entry in ClinVar:

ClinVar aggregate classification (germline): Pathogenic (1 of 4 stars; one submission).

Conditions:
Bethlem myopathy 1A. Also called: MYOPATHY, BENIGN CONGENITAL, WITH CONTRACTURES; Bethlem Muscular Dystrophy; Bethlem myopathy 1. Identifiers: Orphanet 610, MedGen CN029274, MONDO:0024530, OMIM 158810.

Submission:

Labcorp Genetics (formerly Invitae), Labcorp
Classification: Pathogenic for Bethlem myopathy 1A. Last evaluated: 2020-08-11. Review status: criteria provided, single submitter. Criteria: Invitae Variant Classification Sherloc (09022015). Collection method: clinical testing. Allele origin: germline.
Comment: For these reasons, this variant has been classified as Pathogenic. Loss-of-function variants in COL6A1 are known to be pathogenic (PMID: 19884007, 20976770). Algorithms developed to predict the effect of sequence changes on RNA splicing suggest that this variant may create or strengthen a splice site, but this prediction has not been confirmed by published transcriptional studies. This variant has not been reported in the literature in individuals with COL6A1-related conditions. This variant is not present in population databases (ExAC no frequency). This sequence change creates a premature translational stop signal (p.Gly440*) in the COL6A1 gene. It is expected to result in an absent or disrupted protein product.

Literature cited by the submitters: PubMed 19884007; PubMed 20976770.

NM_001848.3(COL6A1):c.1318G>T (p.Gly440Ter)

Gene: COL6A1 (collagen type VI alpha 1 chain; plus strand). Cytogenetic location: 21q22.3.
Variant type: single nucleotide variant.
Coding change: c.1318G>T on transcript NM_001848.3 (MANE Select); coding-DNA position 1318, G replaced by T.
Protein change: p.Gly440Ter; replaces glycine 440 with a stop codon.
Molecular consequence: nonsense.
Genome position (GRCh38, 1-based): chr21:45,992,793, G>T. VCF-style: chr21-45992793-G-T. GRCh37 (hg19) VCF-style: chr21-47412707-G-T.
Other names: short protein forms G440*.
Identifiers: ClinVar variation 1073927 (VCV001073927.7), dbSNP rs2123475539, ClinGen allele CA410526054.